The following is an entry in ClinVar:

NM_000289.6(PFKM):c.1260C>T (p.Arg420=)

Gene: PFKM (phosphofructokinase, muscle; plus strand). Cytogenetic location: 12q13.11.
Variant type: single nucleotide variant.
Coding change: c.1260C>T on transcript NM_000289.6 (MANE Select); coding-DNA position 1260, C replaced by T.
Protein change: p.Arg420=; no amino-acid change (arginine 420 retained).
Molecular consequence: synonymous variant. On other transcripts: non-coding transcript variant (6).
Genome position (GRCh38, 1-based): chr12:48,140,790, C>T. VCF-style: chr12-48140790-C-T. GRCh37 (hg19) VCF-style: chr12-48534573-C-T.
Other names: c.1473C>T, p.Arg491= (NM_001166686.2, NM_001354737.1, NM_001354738.1 and 1 more transcripts); c.1260C>T, p.Arg420= (NM_001166687.2, NM_001166688.2, NM_001354742.2 and 2 more transcripts); c.1569C>T, p.Arg523= (NM_001354735.1, NM_001354736.1); c.1404C>T, p.Arg468= (NM_001354740.1); c.1284C>T, p.Arg428= (NM_001354741.2); c.1173C>T, p.Arg391= (NM_001354745.2); c.1134C>T, p.Arg378= (NM_001354746.2); c.1110C>T, p.Arg370= (NM_001354747.2, NM_001354748.2); and 1 more.
Identifiers: ClinVar variation 514010 (VCV000514010.9), dbSNP rs756454146, ClinGen allele CA6537293.

ClinVar aggregate classification (germline): Likely benign. Review status: criteria provided, multiple submitters, no conflicts (2 of 4 stars). 2 submissions from 2 submitters: Likely benign (2). Last evaluated 2025-10-13.

Conditions:
Glycogen storage disease, type VII (GSD7). Also called: MUSCLE PHOSPHOFRUCTOKINASE DEFICIENCY; PFKM DEFICIENCY; TARUI DISEASE; GSD VII. Identifiers: Orphanet 371, MedGen C0017926, MONDO:0009295, OMIM 232800.

Allele frequency attached by ClinVar (database versions not stated): gnomAD exomes below 0.00001 and 0.00001; ExAC 0.00001; gnomAD 0.00001; TOPMed 0.00001.
gnomAD v4.1: 12 of 1,614,064 alleles (0.00074%); highest among the groups gnomAD compares: South Asian, 0.0011%; no homozygotes.

Submissions (2):

Labcorp Genetics (formerly Invitae), Labcorp
Classification: Likely benign for Glycogen storage disease, type VII. Last evaluated: 2025-10-13. Review status: criteria provided, single submitter. Criteria: Invitae Variant Classification Sherloc (09022015). Collection method: clinical testing. Allele origin: germline.

GeneDx
Classification: Likely benign. Last evaluated: 2018-01-08. Review status: criteria provided, single submitter. Criteria: GeneDx Variant Classification (06012015). Collection method: clinical testing. Allele origin: germline. Affected: yes.
Comment: This variant is considered likely benign or benign based on one or more of the following criteria: it is a conservative change, it occurs at a poorly conserved position in the protein, it is predicted to be benign by multiple in silico algorithms, and/or has population frequency not consistent with disease.